The following is an entry in ClinVar:

NM_004463.3(FGD1):c.104C>A (p.Pro35His)

Gene: FGD1 (FYVE, RhoGEF and PH domain containing 1; minus strand). Cytogenetic location: Xp11.22.
Variant type: single nucleotide variant.
Coding change: c.104C>A on transcript NM_004463.3 (MANE Select); coding-DNA position 104, C replaced by A.
Protein change: p.Pro35His; replaces proline 35 with histidine.
Molecular consequence: missense variant.
Genome position (GRCh38, 1-based): chrX:54,495,329, G>T on the plus strand (C>A on the coding strand, the complement: FGD1 is on the minus strand). VCF-style: chrX-54495329-G-T. GRCh37 (hg19) VCF-style: chrX-54521762-G-T.
Other names: short protein forms P35H.
Identifiers: ClinVar variation 3647890 (VCV003647890.2).

ClinVar aggregate classification (germline): Uncertain significance (1 of 4 stars; one submission).

Submission:

Labcorp Genetics (formerly Invitae), Labcorp
Classification: Uncertain significance. Last evaluated: 2025-01-06. Review status: criteria provided, single submitter. Criteria: Invitae Variant Classification Sherloc (09022015). Collection method: clinical testing. Allele origin: germline.
Comment: This sequence change replaces proline, which is neutral and non-polar, with histidine, which is basic and polar, at codon 35 of the FGD1 protein (p.Pro35His). This variant is not present in population databases (gnomAD no frequency). This variant has not been reported in the literature in individuals affected with FGD1-related conditions. Invitae Evidence Modeling of protein sequence and biophysical properties (such as structural, functional, and spatial information, amino acid conservation, physicochemical variation, residue mobility, and thermodynamic stability) indicates that this missense variant is not expected to disrupt FGD1 protein function with a negative predictive value of 95%. In summary, the available evidence is currently insufficient to determine the role of this variant in disease. Therefore, it has been classified as a Variant of Uncertain Significance.